The following is an entry in ClinVar:

ClinVar aggregate classification (germline): Uncertain significance (1 of 4 stars; one submission).

Conditions:
Orthostatic hypotension 1 (ORTHYP1). Also called: Orthostatic hypotension 1, due to DBH deficiency; NORADRENALINE DEFICIENCY; NOREPINEPHRINE DEFICIENCY; Dopamine beta-hydroxylase deficiency. Identifiers: Orphanet 230, MedGen C4746777, MONDO:0009123, OMIM 223360.

Allele frequency attached by ClinVar (database versions not stated): gnomAD exomes below 0.00001; ExAC 0.00001; TOPMed 0.00001.
gnomAD v4.1: 1 of 1,614,114 alleles (0.000062%); highest among the groups gnomAD compares: Admixed American, 0.0017%; no homozygotes.

Submission:

Labcorp Genetics (formerly Invitae), Labcorp
Classification: Uncertain significance for Orthostatic hypotension 1. Last evaluated: 2023-08-04. Review status: criteria provided, single submitter. Criteria: Invitae Variant Classification Sherloc (09022015). Collection method: clinical testing. Allele origin: germline.
Comment: This variant has not been reported in the literature in individuals affected with DBH-related conditions. This variant is present in population databases (rs762464131, gnomAD 0.003%). This sequence change replaces proline, which is neutral and non-polar, with leucine, which is neutral and non-polar, at codon 224 of the DBH protein (p.Pro224Leu). ClinVar contains an entry for this variant (Variation ID: 2122096). In summary, the available evidence is currently insufficient to determine the role of this variant in disease. Therefore, it has been classified as a Variant of Uncertain Significance. Advanced modeling of protein sequence and biophysical properties (such as structural, functional, and spatial information, amino acid conservation, physicochemical variation, residue mobility, and thermodynamic stability) performed at Invitae indicates that this missense variant is expected to disrupt DBH protein function.

NM_000787.4(DBH):c.671C>T (p.Pro224Leu)

Gene: DBH (dopamine beta-hydroxylase; plus strand). Cytogenetic location: 9q34.2.
Variant type: single nucleotide variant.
Coding change: c.671C>T on transcript NM_000787.4 (MANE Select); coding-DNA position 671, C replaced by T.
Protein change: p.Pro224Leu; replaces proline 224 with leucine.
Molecular consequence: missense variant.
Genome position (GRCh38, 1-based): chr9:133,642,391, C>T. VCF-style: chr9-133642391-C-T. GRCh37 (hg19) VCF-style: chr9-136507513-C-T.
Other names: short protein forms P224L.
Identifiers: ClinVar variation 2122096 (VCV002122096.4), dbSNP rs762464131, ClinGen allele CA5313153.